The following is an entry in ClinVar:

NM_001243133.2(NLRP3):c.1297A>T (p.Thr433Ser)

Gene: NLRP3 (NLR family pyrin domain containing 3; plus strand). Cytogenetic location: 1q44.
Variant type: single nucleotide variant.
Coding change: c.1297A>T on transcript NM_001243133.2 (MANE Select); coding-DNA position 1297, A replaced by T.
Protein change: p.Thr433Ser; replaces threonine 433 with serine.
Molecular consequence: missense variant.
Genome position (GRCh38, 1-based): chr1:247,424,746, A>T. VCF-style: chr1-247424746-A-T. GRCh37 (hg19) VCF-style: chr1-247588048-A-T.
Other names: c.1297A>T, p.Thr433Ser (NM_001079821.3, NM_001127461.3, NM_001127462.3 and 1 more transcripts); c.1303A>T, p.Thr435Ser (NM_004895.5); short protein forms T435S, T433S.
Identifiers: ClinVar variation 2811032 (VCV002811032.3), dbSNP rs876661016, ClinGen allele CA345556595.

ClinVar aggregate classification (germline): Uncertain significance (1 of 4 stars; one submission).

Conditions:
Cryopyrin associated periodic syndrome (CAPS). Identifiers: Orphanet 208650, MedGen C2316212, MONDO:0016168.

Submission:

Labcorp Genetics (formerly Invitae), Labcorp
Classification: Uncertain significance for Cryopyrin associated periodic syndrome. Last evaluated: 2023-12-07. Review status: criteria provided, single submitter. Criteria: Invitae Variant Classification Sherloc (09022015). Collection method: clinical testing. Allele origin: germline.
Comment: This sequence change replaces threonine, which is neutral and polar, with serine, which is neutral and polar, at codon 435 of the NLRP3 protein (p.Thr435Ser). This variant is not present in population databases (gnomAD no frequency). This missense change has been observed in individual(s) with NLRP3-related conditions (PMID: 21702021, 22566169, 26316056). Advanced modeling of protein sequence and biophysical properties (such as structural, functional, and spatial information, amino acid conservation, physicochemical variation, residue mobility, and thermodynamic stability) has been performed at Invitae for this missense variant, however the output from this modeling did not meet the statistical confidence thresholds required to predict the impact of this variant on NLRP3 protein function. In summary, the available evidence is currently insufficient to determine the role of this variant in disease. Therefore, it has been classified as a Variant of Uncertain Significance.

Literature cited by the submitters: PubMed 21702021; PubMed 22566169; PubMed 26316056.